The following is an entry in ClinVar:

ClinVar aggregate classification (germline): Uncertain significance. Review status: criteria provided, multiple submitters, no conflicts (2 of 4 stars). 2 submissions from 2 submitters: Uncertain significance (2). Last evaluated 2025-12-09.

Conditions:
NRP2-related disorder. Also called: NRP2-related condition.

Allele frequency attached by ClinVar (database versions not stated): gnomAD 0.00001.
gnomAD v4.1: 22 of 1,614,010 alleles (0.0014%); highest among the groups gnomAD compares: Admixed American, 0.0067%; no homozygotes.

Submissions (2):

PreventionGenetics, part of Exact Sciences
Classification: Uncertain significance for NRP2-related condition. Last evaluated: 2025-12-09. Review status: criteria provided, single submitter. Criteria: ACMG Guidelines, 2015. Collection method: clinical testing. Allele origin: germline.
Comment: The NRP2 c.1830C>G variant is predicted to result in the amino acid substitution p.Ser610Arg. To our knowledge, this variant has not been reported in the literature. This variant is reported in 0.012% of alleles in individuals of Latino descent in gnomAD. At this time, the clinical significance of this variant is uncertain due to the absence of conclusive functional and genetic evidence.

Ambry Genetics
Classification: Uncertain significance. Last evaluated: 2023-02-23. Review status: criteria provided, single submitter. Criteria: Ambry Variant Classification Scheme 2023. Collection method: clinical testing. Allele origin: germline.

NM_003872.3(NRP2):c.1830C>G (p.Ser610Arg)

Gene: NRP2 (neuropilin 2; plus strand). Cytogenetic location: 2q33.3.
Variant type: single nucleotide variant.
Coding change: c.1830C>G on transcript NM_003872.3 (MANE Select); coding-DNA position 1830, C replaced by G.
Protein change: p.Ser610Arg; replaces serine 610 with arginine.
Molecular consequence: missense variant.
Genome position (GRCh38, 1-based): chr2:205,749,768, C>G. VCF-style: chr2-205749768-C-G. GRCh37 (hg19) VCF-style: chr2-206614492-C-G.
Other names: c.1830C>G, p.Ser610Arg (NM_018534.4, NM_201266.2, NM_201267.2 and 1 more transcripts); short protein forms S610R.
Identifiers: ClinVar variation 2488862 (VCV002488862.3), dbSNP rs200533161, ClinGen allele CA2069233.